The following is an entry in ClinVar:

ClinVar aggregate classification (germline): Likely pathogenic (1 of 4 stars; one submission).

Conditions:
Congenital anomaly of kidney and urinary tract. Also called: Congenital anomalies of the kidney and urinary tract; Congenital anomalies of kidney and urinary tract. Identifiers: Orphanet 93545, MedGen C1968949, MeSH C566906, MONDO:0019719.
Congenital heart disease (CHD). Identifiers: MedGen C0152021, MONDO:0005453. Disease mechanism: unknown.

Submission:

Institute Of Molecular Biology And Genetics, Federal Almazov National Medical Research Centre
Classification: Likely pathogenic for Congenital heart disease; Congenital anomaly of kidney and urinary tract. Last evaluated: 2026-04-01. Review status: criteria provided, single submitter. Criteria: ACMG Guidelines, 2015. Collection method: clinical testing. Allele origin: germline. Affected: yes. Observed: 1 variant allele.
Comment: The variant NM_003482.4:c.7207dup is a frameshift variant in KMT2D gene which is predicted to produce a premature termination codon (p.Leu2403ProfsTer31), and likely results in an absent or disrupted protein product (PVS1). Loss-of-function is a known mechanism for Kabuki syndrome. The variant is absent in population databases (no allele frequency in gnomAD) (PM2), and, to our knowledge, has not been previously reported either in ClinVar, or in the literature.

NM_003482.4(KMT2D):c.7207dup (p.Leu2403fs)

Gene: KMT2D (lysine methyltransferase 2D; minus strand). Cytogenetic location: 12q13.12.
Variant type: Duplication.
Coding change: c.7207dup on transcript NM_003482.4 (MANE Select); coding-DNA position 7207, one base duplicated (C; older notation c.7207dupC).
Protein change: p.Leu2403fs; shifts the reading frame from leucine 2403.
Molecular consequence: frameshift variant.
Genome position (GRCh38, 1-based): chr12:49,040,563, G duplicated on the plus strand (C on the coding strand, the reverse complement: KMT2D is on the minus strand). VCF-style (leftmost placement, unchanged base first): chr12-49040562-A-AG. GRCh37 (hg19) VCF-style: chr12-49434345-A-AG.
Other names: p.Leu2403ProfsTer31; short protein forms L2403fs.
Identifiers: ClinVar variation 4820339 (VCV004820339.1).